The following is an entry in ClinVar:

NM_001384900.1(SEMA3D):c.961T>A (p.Tyr321Asn)

Gene: SEMA3D (semaphorin 3D; minus strand). Cytogenetic location: 7q21.11.
Variant type: single nucleotide variant.
Coding change: c.961T>A on transcript NM_001384900.1 (MANE Select); coding-DNA position 961, T replaced by A.
Protein change: p.Tyr321Asn; replaces tyrosine 321 with asparagine.
Molecular consequence: missense variant.
Genome position (GRCh38, 1-based): chr7:85,042,186, A>T on the plus strand (T>A on the coding strand, the complement: SEMA3D is on the minus strand). VCF-style: chr7-85042186-A-T. GRCh37 (hg19) VCF-style: chr7-84671502-A-T.
Other names: c.961T>A, p.Tyr321Asn (NM_001384901.1, NM_001384902.1, NM_001384903.1 and 1 more transcripts); short protein forms Y321N.
Identifiers: ClinVar variation 3034581 (VCV003034581.2), dbSNP rs764805585, ClinGen allele CA4323578.

ClinVar aggregate classification (germline): Likely benign (0 of 4 stars; one submission).

Conditions:
SEMA3D-related disorder. Also called: SEMA3D-related condition.

Allele frequency attached by ClinVar (database versions not stated): gnomAD 0.00006; gnomAD exomes 0.00006; TOPMed 0.00013; ExAC 0.00016.
gnomAD v4.1: 97 of 1,611,232 alleles (0.006%); highest among the groups gnomAD compares: Admixed American, 0.16%; no homozygotes.

Submission:

PreventionGenetics, part of Exact Sciences
Classification: Likely benign for SEMA3D-related condition. Last evaluated: 2022-03-03. Review status: no assertion criteria provided. Collection method: clinical testing. Allele origin: germline.
Comment: This variant is classified as likely benign based on ACMG/AMP sequence variant interpretation guidelines (Richards et al. 2015 PMID: 25741868, with internal and published modifications).